The following is an entry in ClinVar:

ClinVar aggregate classification (germline): Uncertain significance. Review status: criteria provided, multiple submitters, no conflicts (2 of 4 stars). 2 submissions from 2 submitters: Uncertain significance (2). Last evaluated 2025-10-20.

Conditions:
Joubert syndrome 18 (JBTS18). Identifiers: Orphanet 2754, MedGen C3553758, MONDO:0013896, OMIM 614815.
Orofacial-digital syndrome IV (OFD4). Also called: Orofaciodigital syndrome IV; BARAITSER-BURN SYNDROME; MOHR-MAJEWSKI SYNDROME; OFD SYNDROME WITH TIBIAL DEFECTS; OFD SYNDROME, BARAITSER-BURN TYPE; OFDS IV. Identifiers: Orphanet 2753, MedGen C0406727, MONDO:0009794, OMIM 258860.
Inborn genetic diseases. Identifiers: MedGen C0950123, MeSH D030342.

Allele frequency attached by ClinVar (database versions not stated): gnomAD 0.00001; gnomAD exomes 0.00001 and 0.00002; TOPMed 0.00003.
gnomAD v4.1: 5 of 1,551,584 alleles (0.00032%); highest among the groups gnomAD compares: Admixed American, 0.0078%; no homozygotes.

Submissions (2):

Labcorp Genetics (formerly Invitae), Labcorp
Classification: Uncertain significance for Joubert syndrome 18; Orofacial-digital syndrome IV. Last evaluated: 2025-10-20. Review status: criteria provided, single submitter. Criteria: Invitae Variant Classification Sherloc (09022015). Collection method: clinical testing. Allele origin: germline.
Comment: This sequence change replaces alanine, which is neutral and non-polar, with threonine, which is neutral and polar, at codon 75 of the TCTN3 protein (p.Ala75Thr). This variant is present in population databases (no rsID available, gnomAD 0.01%). This variant has not been reported in the literature in individuals affected with TCTN3-related conditions. ClinVar contains an entry for this variant (Variation ID: 1511128). Invitae Evidence Modeling of protein sequence and biophysical properties (such as structural, functional, and spatial information, amino acid conservation, physicochemical variation, residue mobility, and thermodynamic stability) indicates that this missense variant is not expected to disrupt TCTN3 protein function with a negative predictive value of 80%. In summary, the available evidence is currently insufficient to determine the role of this variant in disease. Therefore, it has been classified as a Variant of Uncertain Significance.

Ambry Genetics
Classification: Uncertain significance for Inborn genetic diseases. Last evaluated: 2025-07-02. Review status: criteria provided, single submitter. Criteria: Ambry Variant Classification Scheme 2023. Collection method: clinical testing. Allele origin: germline.

NM_015631.6(TCTN3):c.223G>A (p.Ala75Thr)

Genes: TCTN3 (tectonic family member 3; minus strand), LOC130004408 (ATAC-STARR-seq lymphoblastoid active region 3801; plus strand). Cytogenetic location: 10q24.1.
Variant type: single nucleotide variant.
Coding change: c.223G>A on transcript NM_015631.6 (MANE Select); coding-DNA position 223, G replaced by A.
Protein change: p.Ala75Thr; replaces alanine 75 with threonine.
Molecular consequence: missense variant.
Genome position (GRCh38, 1-based): chr10:95,693,677, C>T on the plus strand (G>A on the coding strand, the complement: TCTN3 is on the minus strand). VCF-style: chr10-95693677-C-T. GRCh37 (hg19) VCF-style: chr10-97453434-C-T.
Other names: c.223G>A, p.Ala75Thr (NM_001143973.2); c.223G>A (NM_015631.5); short protein forms A75T.
Identifiers: ClinVar variation 1511128 (VCV001511128.8), dbSNP rs1391185443, ClinGen allele CA377713172.